The following is an entry in ClinVar:

ClinVar aggregate classification (germline): Pathogenic. Review status: criteria provided, multiple submitters, no conflicts (2 of 4 stars). 5 submissions from 5 submitters: Pathogenic (4). 1 of the submissions does not count toward it. Last evaluated 2024-11-04.

Conditions:
KRT5-related disorder. Also called: KRT5-related condition.
Epidermolysis bullosa simplex 2B, generalized intermediate (EBS2B). Also called: Epidermolysis bullosa simplex 2B, Koebner type. Identifiers: MedGen C5562009, MONDO:0030525, OMIM 619588.
Epidermolysis bullosa simplex. Also called: Epidermolysis bullosa simplex, Weber-Cockayne type (subtype); Epidermolysis bullosa simplex, Dowling-Meara type (subtype); Epidermolysis bullosa simplex with mottled pigmentation (subtype). Identifiers: Orphanet 304, MedGen C0079298, MONDO:0017610.

Submissions (5):

Molecular Genetics, Royal Melbourne Hospital
Classification: Pathogenic for Epidermolysis bullosa simplex. Last evaluated: 2024-11-04. Review status: criteria provided, single submitter. Criteria: ACMG Guidelines, 2015. Collection method: clinical testing. Allele origin: germline. Inheritance: Autosomal dominant inheritance. Affected: yes.
Comment: This sequence change in KRT5 is predicted to replace valine with alanine at codon 323, p.(Val323Ala). The valine residue is highly conserved (100 vertebrates, Multiz Alignments), and is a critical residue in the L12 domain in the VXLXMD motif present in type II keratins (PMID: 9740251). There is a moderate physicochemical difference between valine and alanine. This variant is absent from the population database gnomAD v4.1. This variant has been reported in at least four probands with epidermolysis bullosa simplex (EBS) and segregates with EBS in two families (PMID: 9740251, 28561874; Shariant). Computational evidence predicts a deleterious effect for the missense substitution (REVEL = 0.96) and predicts no impact on splicing (SpliceAI) for the nucleotide change. Other missense variants altering the same codon have been reported in patients with EBS (PMID: 21375516, 34680898). Based on the classification scheme RMH Modified ACMG/AMP Guidelines v1.7.0, this variant is classified as PATHOGENIC. Following criteria are met: PM1, PM2_Supporting, PP1_Moderate, PP3_Moderate, PS4.

Blueprint Genetics
Classification: Pathogenic for KRT5-related disorders. Last evaluated: 2024-06-12. Review status: criteria provided, single submitter. Criteria: ACMG Guidelines, 2015. Collection method: clinical testing. Allele origin: germline. Affected: yes. Observed: 5 variant alleles.

Labcorp Genetics (formerly Invitae), Labcorp
Classification: Pathogenic. Last evaluated: 2023-05-30. Review status: criteria provided, single submitter. Criteria: Invitae Variant Classification Sherloc (09022015). Collection method: clinical testing. Allele origin: germline.
Comment: This missense change has been observed in individual(s) with autosomal dominant epidermolysis bullosa simplex (PMID: 9740251). It has also been observed to segregate with disease in related individuals. This sequence change replaces valine, which is neutral and non-polar, with alanine, which is neutral and non-polar, at codon 323 of the KRT5 protein (p.Val323Ala). This variant is not present in population databases (gnomAD no frequency). ClinVar contains an entry for this variant (Variation ID: 66286). Advanced modeling of protein sequence and biophysical properties (such as structural, functional, and spatial information, amino acid conservation, physicochemical variation, residue mobility, and thermodynamic stability) performed at Invitae indicates that this missense variant is expected to disrupt KRT5 protein function. This variant disrupts the p.Val323 amino acid residue in KRT5. Other variant(s) that disrupt this residue have been determined to be pathogenic (PMID: 34680898). This suggests that this residue is clinically significant, and that variants that disrupt this residue are likely to be disease-causing. For these reasons, this variant has been classified as Pathogenic.

Victorian Clinical Genetics Services, Murdoch Childrens Research Institute
Classification: Pathogenic for Epidermolysis bullosa simplex 2B, generalized intermediate. Last evaluated: 2022-03-31. Review status: criteria provided, single submitter. Criteria: ACMG Guidelines, 2015. Collection method: clinical testing. Allele origin: germline. Inheritance: Autosomal dominant inheritance. Affected: yes.
Comment: Based on the classification scheme VCGS_Germline_v1.3.4, this variant is classified as Pathogenic. Following criteria are met: 0103 - Loss of function and dominant negative are known mechanisms of disease in this gene and are associated with KRT5-related conditions (DECIPHER, PMID: 20301543, PMID: 25017986, PMID: 17549391). (I) 0108 - This gene is associated with both recessive and dominant disease. Conditions associated with this gene are mainly autosomal dominant but rare cases of autosomal recessive disease have been reported (PMID: 17549391, PMID: 23746086). (I) 0115 - Variants in this gene are known to have variable expressivity. Phenotypic variability has been reported within families with KRT5-related conditions (PMID: 20301543). (I) 0200 - Variant is predicted to result in a missense amino acid change from valine to alanine. (I) 0251 - This variant is heterozygous. (I) 0301 - Variant is absent from gnomAD (both v2 and v3). (SP) 0501 - Missense variant consistently predicted to be damaging by multiple in silico tools or highly conserved with a major amino acid change. (SP) 0602 - Variant is located in a hotspot region or cluster of pathogenic variants in the L12 domain (PMID: 9740251, PMID: 21375516). (SP) 0703 - Two other missense variants comparable to the one identified in this case have moderate previous evidence for pathogenicity. The p.(Val323Gly) variant has been reported in an individual with localised epidermolysis bullosa simplex (PMID: 21375516). Additionally, the p.(Val323Met) variant has been reported in a family with intermediate epidermolysis bullosa simplex (PMID: 34680898). (SP) 0802 - This variant has moderate previous evidence of pathogenicity in unrelated individuals. This variant has been reported as pathogenic in multiple individuals with epidermolysis bullosa simplex (PMID: 9740251, PMID: 28561874, VCGS). (SP) 0901 - This variant has strong evidence for segregation with disease. This variant has been shown to segregate with disease in two unrelated families (PMID: 9740251, PMID: 28561874). (SP) 1007 - No published functional evidence has been identified for this variant. (I) 1208 - Inheritance information for this variant is not currently available in this individual. (I) Legend: (SP) - Supporting pathogenic, (I) - Information, (SB) - Supporting benign

Epithelial Biology;  Institute of Medical Biology, Singapore
No classification provided. Review status: no classification provided. Collection method: not provided. Allele origin: not provided. Not counted in ClinVar's aggregate classification.

Literature cited by the submitters: PubMed 9740251 (cited by 3 submitters); PubMed 21375516 (cited by Molecular Genetics, Royal Melbourne Hospital and Victorian Clinical Genetics Services, Murdoch Childrens Research Institute); PubMed 28561874 (cited by Molecular Genetics, Royal Melbourne Hospital and Victorian Clinical Genetics Services, Murdoch Childrens Research Institute); PubMed 34680898 (cited by 3 submitters); PubMed 17549391 (cited by Victorian Clinical Genetics Services, Murdoch Childrens Research Institute); PubMed 20301543 (cited by Victorian Clinical Genetics Services, Murdoch Childrens Research Institute); PubMed 23746086 (cited by Victorian Clinical Genetics Services, Murdoch Childrens Research Institute); PubMed 25017986 (cited by Victorian Clinical Genetics Services, Murdoch Childrens Research Institute).

NM_000424.4(KRT5):c.968T>C (p.Val323Ala)

Gene: KRT5 (keratin 5; minus strand). Cytogenetic location: 12q13.13.
Variant type: single nucleotide variant.
Coding change: c.968T>C on transcript NM_000424.4 (MANE Select); coding-DNA position 968, T replaced by C.
Protein change: p.Val323Ala; replaces valine 323 with alanine.
Molecular consequence: missense variant.
Genome position (GRCh38, 1-based): chr12:52,517,714, A>G on the plus strand (T>C on the coding strand, the complement: KRT5 is on the minus strand). VCF-style: chr12-52517714-A-G. GRCh37 (hg19) VCF-style: chr12-52911498-A-G.
Other names: short protein forms V323A.
Identifiers: ClinVar variation 66286 (VCV000066286.7), dbSNP rs59840738, ClinGen allele CA216797.